The following is an entry in ClinVar:

ClinVar aggregate classification (germline): Pathogenic (1 of 4 stars; one submission).

Submission:

GeneDx
Classification: Pathogenic. Last evaluated: 2016-10-17. Review status: criteria provided, single submitter. Criteria: GeneDx Variant Classification (06012015). Collection method: clinical testing. Allele origin: germline. Affected: yes.
Comment: The c.4825_4826delCinsGA pathogenic variant in the NSD1 gene causes a frameshift starting with codon Proline 1609, changes this amino acid to an Aspartic acid residue and creates a premature Stop codon at position 9 of the new reading frame, denoted p.Pro1609AspfsX9. This pathogenic variant is predicted to cause loss of normal protein function either through protein truncation or nonsense-mediated mRNA decay.

NM_022455.5(NSD1):c.4825delinsGA (p.Pro1609fs)

Gene: NSD1 (nuclear receptor binding SET domain protein 1; plus strand). Cytogenetic location: 5q35.3.
Variant type: Indel.
Coding change: c.4825delinsGA on transcript NM_022455.5 (MANE Select); coding-DNA position 4825, C replaced by GA.
Protein change: p.Pro1609fs; shifts the reading frame from proline 1609.
Molecular consequence: frameshift variant.
Genome position (GRCh38, 1-based): chr5:177,257,010, C replaced by GA. VCF-style: chr5-177257010-C-GA. GRCh37 (hg19) VCF-style: chr5-176684011-C-GA.
Other names: c.3952delCinsGA, p.Pro1318Aspfs (NM_001365684.2, NM_001409308.1, NM_001409309.1 and 1 more transcripts); c.4825delCinsGA, p.Pro1609Aspfs (NM_001409301.1, NM_001409302.1, NM_001409303.1); c.4405delCinsGA, p.Pro1469Aspfs (NM_001409304.1); c.4072delCinsGA, p.Pro1358Aspfs (NM_001409305.1); c.4063delCinsGA, p.Pro1355Aspfs (NM_001409306.1, NM_001409307.1); short protein forms P1340fs, P1609fs.
Identifiers: ClinVar variation 373063 (VCV000373063.2), dbSNP rs1057518184, ClinGen allele CA16042594.